The following is an entry in ClinVar:

NM_000051.4(ATM):c.8435C>G (p.Ser2812Cys)

Genes: ATM (ATM serine/threonine kinase; plus strand), C11orf65 (chromosome 11 open reading frame 65; minus strand). Cytogenetic location: 11q22.3.
Variant type: single nucleotide variant.
Coding change: c.8435C>G on transcript NM_000051.4 (MANE Select); coding-DNA position 8435, C replaced by G.
Protein change: p.Ser2812Cys; replaces serine 2812 with cysteine.
Molecular consequence: missense variant. On other transcripts: intron variant (2).
Genome position (GRCh38, 1-based): chr11:108,345,759, C>G. VCF-style: chr11-108345759-C-G. GRCh37 (hg19) VCF-style: chr11-108216486-C-G.
Other names: c.8435C>G, p.Ser2812Cys (NM_001351834.2); c.641-36688G>C (NM_001330368.2); c.695-10467G>C (NM_001351110.2); short protein forms S2812C.
Identifiers: ClinVar variation 628040 (VCV000628040.5), dbSNP rs1565563280, ClinGen allele CA382517790.
Genomic context (GRCh38, chr11:108,345,759, plus strand): 5'-GAACACAATATTGAAAAATAATTATATATATTCTCTATTTAAAGGAGGTGCAAAAAAAGT[C>G]TTTTGAAGAGAAATATGAAGTCTTCATGGATGTTTGCCAAAATTTTCAACCAGTTTTCCG-3'
Protein context (NP_000042.3, residues 2802-2822): QKKMMEVQKK[Ser2812Cys]FEEKYEVFMD

ClinVar aggregate classification (germline): Uncertain significance (1 of 4 stars; one submission).

Conditions:
Hereditary cancer-predisposing syndrome. Also called: Tumor predisposition; Hereditary neoplastic syndrome; Neoplastic Syndromes, Hereditary; Hereditary Cancer Syndrome. Identifiers: Orphanet 140162, MedGen C0027672, MeSH D009386, MONDO:0015356.

Submission:

Color Diagnostics, LLC DBA Color Health
Classification: Uncertain significance for Hereditary cancer-predisposing syndrome. Last evaluated: 2023-12-05. Review status: criteria provided, single submitter. Criteria: ACMG Guidelines, 2015. Collection method: clinical testing. Allele origin: germline.
Comment: This missense variant replaces serine with cysteine at codon 2812 of the ATM protein. Computational prediction suggests that this variant may not impact protein structure and function (internally defined REVEL score threshold <= 0.5, PMID: 27666373). To our knowledge, functional studies have not been reported for this variant. This variant has not been reported in individuals affected with ATM-related disorders in the literature. This variant has not been identified in the general population by the Genome Aggregation Database (gnomAD). The available evidence is insufficient to determine the role of this variant in disease conclusively. Therefore, this variant is classified as a Variant of Uncertain Significance.